The following is an entry in ClinVar:

NM_002519.3(NPAT):c.3415A>C (p.Thr1139Pro)

Gene: NPAT (nuclear protein, coactivator of histone transcription; minus strand). Cytogenetic location: 11q22.3.
Variant type: single nucleotide variant.
Coding change: c.3415A>C on transcript NM_002519.3 (MANE Select); coding-DNA position 3415, A replaced by C.
Protein change: p.Thr1139Pro; replaces threonine 1139 with proline.
Molecular consequence: missense variant.
Genome position (GRCh38, 1-based): chr11:108,161,671, T>G on the plus strand (A>C on the coding strand, the complement: NPAT is on the minus strand). VCF-style: chr11-108161671-T-G. GRCh37 (hg19) VCF-style: chr11-108032398-T-G.
Other names: c.3436A>C, p.Thr1146Pro (NM_001321307.1); short protein forms T1139P, T1146P.
Identifiers: ClinVar variation 1731202 (VCV001731202.2), dbSNP rs2496696082, ClinGen allele CA382510863.

ClinVar aggregate classification (germline): Uncertain significance (1 of 4 stars; one submission).

Submission:

Ambry Genetics
Classification: Uncertain significance. Last evaluated: 2022-07-11. Review status: criteria provided, single submitter. Criteria: Ambry Variant Classification Scheme 2023. Collection method: clinical testing. Allele origin: germline.
Comment: The p.T1139P variant (also known as c.3415A>C), located in coding exon 17 of the NPAT gene, results from an A to C substitution at nucleotide position 3415. The threonine at codon 1139 is replaced by proline, an amino acid with highly similar properties. This amino acid position is conserved. In addition, this alteration is predicted to be tolerated by in silico analysis. Since supporting evidence is limited at this time, the clinical significance of this alteration remains unclear.